The following is an entry in ClinVar:

ClinVar aggregate classification (germline): Conflicting classifications of pathogenicity. Review status: criteria provided, conflicting classifications (1 of 4 stars). 4 submissions from 3 submitters: Uncertain significance (1); Likely benign (3). Last evaluated 2025-04-07.

Conditions:
Susceptibility to mononeuropathy of the median nerve, mild. Also called: CARPAL TUNNEL SYNDROME, SUSCEPTIBILITY TO. Identifiers: MedGen C3150596, MONDO:0013237, OMIM 613353.
Charcot-Marie-Tooth disease type 4C (CMT4C). Also called: CHARCOT-MARIE-TOOTH DISEASE, DEMYELINATING, AUTOSOMAL RECESSIVE, TYPE 4C; CMT 4C; Charcot-Marie-Tooth Neuropathy Type 4C (CMT4C); CHARCOT-MARIE-TOOTH DISEASE, DEMYELINATING, TYPE 4C; SH3TC2-Related Hereditary Motor and Sensory Neuropathy. Identifiers: Orphanet 99949, MedGen C1866636, MONDO:0011113, OMIM 601596.
Charcot-Marie-Tooth disease. Also called: Charcot-Marie-Tooth Neuropathy; Charcot-Marie-Tooth Hereditary Neuropathy. Identifiers: Orphanet 166, MedGen C0007959, MONDO:0015626.
Charcot-Marie-Tooth disease type 4. Also called: Charcot-Marie-Tooth, Type 4; Charcot-Marie-Tooth disease, type IV. Identifiers: Orphanet 64749, MedGen C4082197, MONDO:0018995.

Allele frequency attached by ClinVar (database versions not stated): 1000 Genomes Project 30x 0.00062; gnomAD exomes 0.00004 and 0.00014; gnomAD 0.00006 and 0.00007; ExAC 0.00014; TOPMed 0.00015; 1000 Genomes Project 0.00060.
gnomAD v4.1: 64 of 1,614,054 alleles (0.004%); highest among the groups gnomAD compares: East Asian, 0.089%; no homozygotes.

Submissions (4):

Labcorp Genetics (formerly Invitae), Labcorp
Classification: Likely benign for Charcot-Marie-Tooth disease type 4. Last evaluated: 2025-04-07. Review status: criteria provided, single submitter. Criteria: Invitae Variant Classification Sherloc (09022015). Collection method: clinical testing. Allele origin: germline.

Illumina Laboratory Services, Illumina
Classification: Uncertain significance for Charcot-Marie-Tooth disease type 4C. Last evaluated: 2018-01-13. Review status: criteria provided, single submitter. Criteria: ICSL Variant Classification Criteria 13 December 2019. Collection method: clinical testing. Allele origin: germline.

Illumina Laboratory Services, Illumina
Classification: Likely benign for Susceptibility to mononeuropathy of the median nerve, mild. Last evaluated: 2018-01-13. Review status: criteria provided, single submitter. Criteria: ICSL Variant Classification Criteria 13 December 2019. Collection method: clinical testing. Allele origin: germline.
Comment: This variant was observed in the ICSL laboratory as part of a predisposition screen in an ostensibly healthy population. It had not been previously curated by ICSL or reported in the Human Gene Mutation Database (HGMD: prior to June 1st, 2018), and was therefore a candidate for classification through an automated scoring system. Utilizing variant allele frequency, disease prevalence and penetrance estimates, and inheritance mode, an automated score was calculated to assess if this variant is too frequent to cause the disease. Based on the score and internal cut-off values, a variant classified as likely benign is not then subjected to further curation. The score for this variant resulted in a classification of likely benign for this disease.

Molecular Genetics Laboratory, London Health Sciences Centre
Classification: Likely benign for Charcot-Marie-Tooth disease. Review status: criteria provided, single submitter. Criteria: ACMG Guidelines, 2015. Collection method: clinical testing. Allele origin: germline. Affected: yes.

NM_024577.4(SH3TC2):c.1814G>A (p.Arg605His)

Gene: SH3TC2 (SH3 domain and tetratricopeptide repeats 2; minus strand). Cytogenetic location: 5q32.
Variant type: single nucleotide variant.
Coding change: c.1814G>A on transcript NM_024577.4 (MANE Select); coding-DNA position 1814, G replaced by A.
Protein change: p.Arg605His; replaces arginine 605 with histidine.
Molecular consequence: missense variant.
Genome position (GRCh38, 1-based): chr5:149,027,918, C>T on the plus strand (G>A on the coding strand, the complement: SH3TC2 is on the minus strand). VCF-style: chr5-149027918-C-T. GRCh37 (hg19) VCF-style: chr5-148407481-C-T.
Other names: short protein forms R605H.
Identifiers: ClinVar variation 351912 (VCV000351912.15), dbSNP rs186864272, ClinGen allele CA3499117.
Genomic context (GRCh38, chr5:149,027,918, plus strand): 5'-ACAATCCCCTGGCGCAGCACGTAGGCCACCACGTCGAGTTCATGCTTGGCACTAGACTCA[C>T]GGTCAGGCAGGCAGGCCAGCAGGGCACCTGCCTTTTCCAACAGGGCGGAGCCTTTATGTC-3'
Protein context (NP_078853.2, residues 595-615): AGALLACLPD[Arg605His]ESSAKHELDV